The following is an entry in ClinVar:

ClinVar aggregate classification (germline): Benign. Review status: criteria provided, multiple submitters, no conflicts (2 of 4 stars). 7 submissions from 7 submitters: Benign (5). 2 of the submissions do not count toward it. Last evaluated 2026-02-03.

Conditions:
History of neurodevelopmental disorder. Identifiers: MedGen C2711754.
Pitt-Hopkins-like syndrome 2 (PTHSL2). Identifiers: Orphanet 221150, Orphanet 600663, MedGen C3280479, MONDO:0013690, OMIM 614325.
NRXN1-related disorder.

Allele frequency attached by ClinVar (database versions not stated): ExAC 0.00440; gnomAD 0.01353 and 0.01437; ESP Exome Variant Server 0.01438; TOPMed 0.01498; 1000 Genomes Project 0.01637; 1000 Genomes Project 30x 0.01905.
gnomAD v4.1: 4,105 of 1,613,956 alleles (0.25%); highest among the groups gnomAD compares: African/African-American, 4.8%; 90 homozygotes.

Submissions (7):

Labcorp Genetics (formerly Invitae), Labcorp
Classification: Benign for Pitt-Hopkins-like syndrome 2. Last evaluated: 2026-02-03. Review status: criteria provided, single submitter. Criteria: Invitae Variant Classification Sherloc (09022015). Collection method: clinical testing. Allele origin: germline.

Illumina Laboratory Services, Illumina
Classification: Benign for Pitt-Hopkins-like syndrome 2. Last evaluated: 2018-01-12. Review status: criteria provided, single submitter. Criteria: ICSL Variant Classification Criteria 13 December 2019. Collection method: clinical testing. Allele origin: germline.
Comment: This variant was observed in the ICSL laboratory as part of a predisposition screen in an ostensibly healthy population. It had not been previously curated by ICSL or reported in the Human Gene Mutation Database (HGMD: prior to June 1st, 2018), and was therefore a candidate for classification through an automated scoring system. Utilizing variant allele frequency, disease prevalence and penetrance estimates, and inheritance mode, an automated score was calculated to assess if this variant is too frequent to cause the disease. Based on the score and internal cut-off values, a variant classified as benign is not then subjected to further curation. The score for this variant resulted in a classification of benign for this disease.

Ambry Genetics
Classification: Benign for History of neurodevelopmental disorder. Last evaluated: 2016-04-15. Review status: criteria provided, single submitter. Criteria: Ambry Autosomal Dominant and X-Linked criteria (10/2015). Collection method: clinical testing. Allele origin: germline. Observed: 1 variant allele.
Comment: General population or sub-population frequency is too high to be a pathogenic mutation based on disease/syndrome prevalence and penetrance

GeneDx
Classification: Benign. Last evaluated: 2012-05-23. Review status: criteria provided, single submitter. Criteria: GeneDx Variant Classification (06012015). Collection method: clinical testing. Allele origin: germline. Affected: yes.
Comment: This variant is considered likely benign or benign based on one or more of the following criteria: it is a conservative change, it occurs at a poorly conserved position in the protein, it is predicted to be benign by multiple in silico algorithms, and/or has population frequency not consistent with disease.

Breakthrough Genomics
Classification: Benign. Review status: criteria provided, single submitter. Criteria: ACMG Guidelines, 2015. Collection method: not provided. Allele origin: germline. Inheritance: Autosomal recessive inheritance. Affected: yes.

PreventionGenetics, part of Exact Sciences
Classification: Benign for NRXN1-related condition. Last evaluated: 2019-08-12. Review status: no assertion criteria provided. Collection method: clinical testing. Allele origin: germline. Not counted in ClinVar's aggregate classification.
Comment: This variant is classified as benign based on ACMG/AMP sequence variant interpretation guidelines (Richards et al. 2015 PMID: 25741868, with internal and published modifications).

Genetic Services Laboratory, University of Chicago
Classification: Likely benign for AllHighlyPenetrant. Review status: no assertion criteria provided. Collection method: clinical testing. Allele origin: germline. Inheritance: Autosomal recessive inheritance. Not counted in ClinVar's aggregate classification.
Comment: Likely benign based on allele frequency in 1000 Genomes Project or ESP global frequency and its presence in a patient with a rare or unrelated disease phenotype. NOT Sanger confirmed.

NM_001330078.2(NRXN1):c.4068G>A (p.Thr1356=)

Gene: NRXN1 (neurexin 1; minus strand). Cytogenetic location: 2p16.3.
Variant type: single nucleotide variant.
Coding change: c.4068G>A on transcript NM_001330078.2 (MANE Select); coding-DNA position 4068, G replaced by A.
Protein change: p.Thr1356=; no amino-acid change (threonine 1356 retained).
Molecular consequence: synonymous variant.
Genome position (GRCh38, 1-based): chr2:50,053,331, C>T on the plus strand (G>A on the coding strand, the complement: NRXN1 is on the minus strand). VCF-style: chr2-50053331-C-T. GRCh37 (hg19) VCF-style: chr2-50280469-C-T.
Other names: p.T1396T:ACG>ACA; c.4188G>A, p.Thr1396= (NM_001135659.3); c.4044G>A, p.Thr1348= (NM_001330077.2, NM_001330082.2); c.3912G>A, p.Thr1304= (NM_001330083.2); c.4002G>A, p.Thr1334= (NM_001330084.2); c.4041G>A, p.Thr1347= (NM_001330085.2); c.4068G>A, p.Thr1356= (NM_001330086.2); c.3867G>A, p.Thr1289= (NM_001330087.2, NM_001330096.2); and 8 more.
Identifiers: ClinVar variation 129823 (VCV000129823.26), dbSNP rs74714098, ClinGen allele CA288974.
Genomic context (GRCh38, chr2:50,053,331, plus strand): 5'-CTGGCTAATGGGTTCTTTTGTCGGGGGCTTTCCTCTTCTGGCTGTGCTAGTAGCCAGGGT[C>T]GTGGTAGTCTCCATAATTGATGTGGACATCTCTGATTGCATGGCAGTGGCTGTTGACTCA-3'
Protein context (NP_001317007.1, residues 1346-1366): EMSTSIMETT[Thr1356=]TLATSTARRG